The following is an entry in ClinVar:

ClinVar aggregate classification (germline): Uncertain significance (1 of 4 stars; one submission).

Conditions:
Dilated cardiomyopathy 1G (CMD1G). Identifiers: Orphanet 154, MedGen C1858763, MONDO:0011400, OMIM 604145.
Autosomal recessive limb-girdle muscular dystrophy type 2J (LGMDR10). Also called: Limb-girdle muscular dystrophy, type 2J; MUSCULAR DYSTROPHY, LIMB-GIRDLE, AUTOSOMAL RECESSIVE 10. Identifiers: Orphanet 140922, MedGen C1837342, MONDO:0012127, OMIM 608807.

Allele frequency attached by ClinVar (database versions not stated): gnomAD 0.00001; TOPMed 0.00001; gnomAD exomes 0.00002; ExAC 0.00003.
gnomAD v4.1: 27 of 1,608,456 alleles (0.0017%); highest among the groups gnomAD compares: Non-Finnish European, 0.0021%; no homozygotes.

Submission:

Labcorp Genetics (formerly Invitae), Labcorp
Classification: Uncertain significance for Dilated cardiomyopathy 1G; Autosomal recessive limb-girdle muscular dystrophy type 2J. Last evaluated: 2025-12-22. Review status: criteria provided, single submitter. Criteria: Invitae Variant Classification Sherloc (09022015). Collection method: clinical testing. Allele origin: germline.
Comment: This sequence change replaces valine, which is neutral and non-polar, with isoleucine, which is neutral and non-polar, at codon 33917 of the TTN protein (p.Val33917Ile). This variant is present in population databases (rs768379988, gnomAD 0.005%). This variant has not been reported in the literature in individuals affected with TTN-related conditions. ClinVar contains an entry for this variant (Variation ID: 1490842). Experimental studies and prediction algorithms are not available or were not evaluated, and the functional significance of this variant is currently unknown. This variant is located in the M band of TTN (PMID: 25589632). Non-truncating variants in this region may be relevant for neuromuscular disorders, but have not been definitively shown to cause cardiomyopathy (PMID: 23975875). In summary, the available evidence is currently insufficient to determine the role of this variant in disease. Therefore, it has been classified as a Variant of Uncertain Significance.

Literature cited by the submitters: PubMed 25589632; PubMed 23975875.

NM_001267550.2(TTN):c.101749G>A (p.Val33917Ile)

Genes: TTN-AS1 (TTN antisense RNA 1; plus strand), TTN (titin; minus strand). Cytogenetic location: 2q31.2.
Variant type: single nucleotide variant.
Coding change: c.101749G>A on transcript NM_001267550.2 (MANE Select); coding-DNA position 101749, G replaced by A.
Protein change: p.Val33917Ile; replaces valine 33917 with isoleucine.
Molecular consequence: missense variant.
Genome position (GRCh38, 1-based): chr2:178,534,866, C>T on the plus strand (G>A on the coding strand, the complement: TTN is on the minus strand). VCF-style: chr2-178534866-C-T. GRCh37 (hg19) VCF-style: chr2-179399593-C-T.
Other names: c.96826G>A, p.Val32276Ile (NM_001256850.1); c.74554G>A, p.Val24852Ile (NM_003319.4); c.94045G>A, p.Val31349Ile (NM_133378.4); c.74929G>A, p.Val24977Ile (NM_133432.3); c.75130G>A, p.Val25044Ile (NM_133437.4); short protein forms V25044I, V32276I, V24977I, V24852I, V31349I, V33917I.
Identifiers: ClinVar variation 1490842 (VCV001490842.6), dbSNP rs768379988, ClinGen allele CA1985845.